The following is an entry in ClinVar:

NM_002152.3(HRC):c.286T>G (p.Ser96Ala)

Gene: HRC (histidine rich calcium binding protein; minus strand). Cytogenetic location: 19q13.33.
Variant type: single nucleotide variant.
Coding change: c.286T>G on transcript NM_002152.3 (MANE Select); coding-DNA position 286, T replaced by G.
Protein change: p.Ser96Ala; replaces serine 96 with alanine.
Molecular consequence: missense variant.
Genome position (GRCh38, 1-based): chr19:49,154,952, A>C on the plus strand (T>G on the coding strand, the complement: HRC is on the minus strand). VCF-style: chr19-49154952-A-C. GRCh37 (hg19) VCF-style: chr19-49658209-A-C.
Other names: short protein forms S96A.
Identifiers: ClinVar variation 1302392 (VCV001302392.3), dbSNP rs3745297, ClinGen allele CA9568545.

ClinVar aggregate classification (germline): Benign. Review status: criteria provided, multiple submitters, no conflicts (2 of 4 stars). 2 submissions from 2 submitters: Benign (2). Last evaluated 2021-05-04.

Allele frequency attached by ClinVar (database versions not stated): 1000 Genomes Project 0.35084; 1000 Genomes Project 30x 0.35119; gnomAD 0.37524 and 0.37741; TOPMed 0.38412; ESP Exome Variant Server 0.38521; ExAC 0.40526; gnomAD exomes 0.40887.
gnomAD v4.1: 666,411 of 1,613,824 alleles (41%); highest among the groups gnomAD compares: Admixed American, 49%; 139,540 homozygotes.

Submissions (2):

GeneDx
Classification: Benign. Last evaluated: 2021-05-04. Review status: criteria provided, single submitter. Criteria: GeneDx Variant Classification Process June 2021. Collection method: clinical testing. Allele origin: germline. Affected: yes.
Comment: In silico analysis supports that this missense variant does not alter protein structure/function; This variant is associated with the following publications: (PMID: 24805197, 21742996, 18617481, 26904356, 28859293)

Breakthrough Genomics
Classification: Benign. Review status: criteria provided, single submitter. Criteria: ACMG Guidelines, 2015. Collection method: not provided. Allele origin: germline. Inheritance: Unknown mechanism. Affected: yes.